The following is an entry in ClinVar:

NM_001330260.2(SCN8A):c.1149C>T (p.Ala383=)

Gene: SCN8A (sodium voltage-gated channel alpha subunit 8; plus strand). Cytogenetic location: 12q13.13.
Variant type: single nucleotide variant.
Coding change: c.1149C>T on transcript NM_001330260.2 (MANE Select); coding-DNA position 1149, C replaced by T.
Protein change: p.Ala383=; no amino-acid change (alanine 383 retained).
Molecular consequence: synonymous variant.
Genome position (GRCh38, 1-based): chr12:51,705,431, C>T. VCF-style: chr12-51705431-C-T. GRCh37 (hg19) VCF-style: chr12-52099215-C-T.
Other names: c.1149C>T, p.Ala383= (NM_001177984.3, NM_001369788.1, NM_014191.4).
Identifiers: ClinVar variation 444291 (VCV000444291.56), dbSNP rs201402959, ClinGen allele CA6571226.

ClinVar aggregate classification (germline): Likely benign. Review status: criteria provided, multiple submitters, no conflicts (2 of 4 stars). 4 submissions from 4 submitters: Likely benign (4). Last evaluated 2025-11-03.

Conditions:
Inborn genetic diseases. Identifiers: MedGen C0950123, MeSH D030342.
Early-infantile DEE. Also called: Early infantile epileptic encephalopathy with suppression bursts; Ohtahara syndrome; Early infantile epileptic encephalopathy. Identifiers: Orphanet 1934, MedGen C0393706, MONDO:0800491.

Allele frequency attached by ClinVar (database versions not stated): gnomAD 0.00006; TOPMed 0.00006; ESP Exome Variant Server 0.00008.
gnomAD v4.1: 121 of 1,613,786 alleles (0.0075%); highest among the groups gnomAD compares: East Asian, 0.018%; no homozygotes.

Submissions (4):

Labcorp Genetics (formerly Invitae), Labcorp
Classification: Likely benign for Early-infantile DEE. Last evaluated: 2025-11-03. Review status: criteria provided, single submitter. Criteria: Invitae Variant Classification Sherloc (09022015). Collection method: clinical testing. Allele origin: germline.

CeGaT Center for Human Genetics Tuebingen
Classification: Likely benign. Last evaluated: 2022-04-01. Review status: criteria provided, single submitter. Criteria: CeGaT Center For Human Genetics Tuebingen Variant Classification Criteria Version 2. Collection method: clinical testing. Allele origin: germline. Affected: yes. Observed: 3 variant alleles.
Comment: SCN8A: BP4, BP7

GeneDx
Classification: Likely benign. Last evaluated: 2020-11-02. Review status: criteria provided, single submitter. Criteria: GeneDx Variant Classification Process June 2021. Collection method: clinical testing. Allele origin: germline. Affected: yes.

Ambry Genetics
Classification: Likely benign for Inborn genetic diseases. Last evaluated: 2018-07-10. Review status: criteria provided, single submitter. Criteria: Ambry Variant Classification Scheme 2023. Collection method: clinical testing. Allele origin: germline.